The following is an entry in ClinVar:

ClinVar aggregate classification (germline): Uncertain significance (1 of 4 stars; one submission).

Submission:

Laboratory for Molecular Medicine, Mass General Brigham Personalized Medicine
Classification: Uncertain significance. Last evaluated: 2016-10-25. Review status: criteria provided, single submitter. Criteria: LMM Criteria. Collection method: clinical testing. Allele origin: germline. Observed: 1 variant allele.
Comment: The p.Leu1478Phe variant in LAMA4 has not been previously reported in individual s with cardiomyopathy and was absent from large population studies. Computationa l prediction tools and conservation analysis suggest that the p.Leu1478Phe varia nt may not impact the protein, though this information is not predictive enough to rule out pathogenicity. In summary, the clinical significance of the p.Leu147 8Phe variant is uncertain.

NM_001105206.3(LAMA4):c.4455A>C (p.Leu1485Phe)

Gene: LAMA4 (laminin subunit alpha 4; minus strand). Cytogenetic location: 6q21.
Variant type: single nucleotide variant.
Coding change: c.4455A>C on transcript NM_001105206.3 (MANE Select); coding-DNA position 4455, A replaced by C.
Protein change: p.Leu1485Phe; replaces leucine 1485 with phenylalanine.
Molecular consequence: missense variant.
Genome position (GRCh38, 1-based): chr6:112,122,034, T>G on the plus strand (A>C on the coding strand, the complement: LAMA4 is on the minus strand). VCF-style: chr6-112122034-T-G. GRCh37 (hg19) VCF-style: chr6-112443237-T-G.
Other names: c.4434A>C, p.Leu1478Phe (NM_001105207.3, NM_002290.5); short protein forms L1478F, L1485F.
Identifiers: ClinVar variation 505391 (VCV000505391.4), dbSNP rs1554326282, ClinGen allele CA365370790.